The following is an entry in ClinVar:

ClinVar aggregate classification (germline): Uncertain significance (0 of 4 stars; one submission).

Conditions:
BFSP1-related disorder. Also called: BFSP1-related condition.

gnomAD v4.1: 54 of 1,614,070 alleles (0.0033%); highest among the groups gnomAD compares: Admixed American, 0.057%; no homozygotes.

Submission:

PreventionGenetics, part of Exact Sciences
Classification: Uncertain significance for BFSP1-related condition. Last evaluated: 2023-11-02. Review status: no assertion criteria provided. Collection method: clinical testing. Allele origin: germline.
Comment: The BFSP1 c.1438G>A variant is predicted to result in the amino acid substitution p.Val480Met. To our knowledge, this variant has not been reported in the literature. This variant is reported in 0.073% of alleles in individuals of Latino descent in gnomAD, which is likely too frequent to be a disease-causing variant. Although we suspect that this variant may be benign, at this time, the clinical significance of this variant is uncertain due to the absence of conclusive functional and genetic evidence.

NM_001195.5(BFSP1):c.1438G>A (p.Val480Met)

Gene: BFSP1 (beaded filament structural protein 1; minus strand). Cytogenetic location: 20p12.1.
Variant type: single nucleotide variant.
Coding change: c.1438G>A on transcript NM_001195.5 (MANE Select); coding-DNA position 1438, G replaced by A.
Protein change: p.Val480Met; replaces valine 480 with methionine.
Molecular consequence: missense variant.
Genome position (GRCh38, 1-based): chr20:17,494,634, C>T on the plus strand (G>A on the coding strand, the complement: BFSP1 is on the minus strand). VCF-style: chr20-17494634-C-T. GRCh37 (hg19) VCF-style: chr20-17475279-C-T.
Other names: c.1063G>A, p.Val355Met (NM_001161705.2); c.1021G>A, p.Val341Met (NM_001278606.2, NM_001278608.2); c.1105G>A, p.Val369Met (NM_001278607.2); c.1330G>A, p.Val444Met (NM_001424338.1); short protein forms V341M, V355M, V369M, V444M, V480M.
Identifiers: ClinVar variation 3036826 (VCV003036826.2), dbSNP rs767136257, ClinGen allele CA9772058.
Genomic context (GRCh38, chr20:17,494,634, plus strand): 5'-CAACAGAAACAGCCACCCCACCTTTAGCTGTGATGGAGGAGACATAGAATCTAGGGTCCA[C>T]GTAATTGGCATCCCCTGTGACCAGCACGTGCCGCTCTTTGGTGTAGAGCTCAGTGGGGGT-3'
Protein context (NP_001186.1, residues 470-490): HVLVTGDANY[Val480Met]DPRFYVSSIT